The following is an entry in ClinVar:

ClinVar aggregate classification (germline): Uncertain significance (1 of 4 stars; one submission).

Conditions:
Primary ciliary dyskinesia 23 (CILD23). Also called: CILIARY DYSKINESIA, PRIMARY, 23, WITH OR WITHOUT SITUS INVERSUS. Identifiers: Orphanet 244, MedGen C3809548, MONDO:0014193, OMIM 615451.

Submission:

Labcorp Genetics (formerly Invitae), Labcorp
Classification: Uncertain significance for Primary ciliary dyskinesia 23. Last evaluated: 2020-06-15. Review status: criteria provided, single submitter. Criteria: Invitae Variant Classification Sherloc (09022015). Collection method: clinical testing. Allele origin: germline.
Comment: This variant has not been reported in the literature in individuals with ARMC4-related conditions. This variant results in a copy number gain of the genomic region encompassing exon(s) 10-20 of the ARMC4 gene. The 5' boundary is likely confined to intron 9. The 3' end of this event is unknown as it extends beyond the assayed region for this gene and therefore may encompass additional genes. As the precise location of this event is unknown, it may be in tandem or it may be located elsewhere in the genome. In summary, the available evidence is currently insufficient to determine the role of this variant in disease. Therefore, it has been classified as a Variant of Uncertain Significance.

NC_000010.10:g.(?_28101421)_(28250664_?)dup

Gene: ODAD2 (outer dynein arm docking complex subunit 2; minus strand). Cytogenetic location: 10p12.1.
Variant type: Duplication.
Identifiers: ClinVar variation 1036557 (VCV001036557.5).